The following is an entry in ClinVar:

NM_007194.4(CHEK2):c.258G>A (p.Glu86=)

Gene: CHEK2 (checkpoint kinase 2; minus strand). Cytogenetic location: 22q12.1.
Variant type: single nucleotide variant.
Coding change: c.258G>A on transcript NM_007194.4 (MANE Select); coding-DNA position 258, G replaced by A.
Protein change: p.Glu86=; no amino-acid change (glutamic acid 86 retained).
Molecular consequence: synonymous variant.
Genome position (GRCh38, 1-based): chr22:28,734,464, C>T on the plus strand (G>A on the coding strand, the complement: CHEK2 is on the minus strand). VCF-style: chr22-28734464-C-T. GRCh37 (hg19) VCF-style: chr22-29130452-C-T.
Other names: c.-520G>A (NM_001257387.3); c.258G>A, p.Glu86= (NM_001349956.3, NM_145862.3, NM_001005735.3).
Identifiers: ClinVar variation 1049073 (VCV001049073.2), dbSNP rs1201436179, ClinGen allele CA513946451.
Genomic context (GRCh38, chr22:28,734,464, plus strand): 5'-AAGATTGGCAAATCCATCCTGAAGGGCCCATAATCGAGCCCAGGGGGCAGGGGTAGGCTC[C>T]TCAGGTTCTTGGTCCTCAGGTTCTTGGTCCTCAGGAATAGAATAGAGTTCCTGAGTGGAC-3'
Protein context (NP_009125.1, residues 76-96): EDQEPEDQEP[Glu86=]EPTPAPWARL

ClinVar aggregate classification (germline): Likely benign (0 of 4 stars; one submission).

Conditions:
Malignant tumor of breast. Also called: Malignant breast neoplasm; Cancer breast. Identifiers: MedGen C0006142, MONDO:0007254. Disease mechanism: loss of function.

Submission:

Department of Pathology and Laboratory Medicine, Sinai Health System
Classification: Likely benign for Malignant tumor of breast. Review status: no assertion criteria provided. Collection method: clinical testing. Allele origin: unknown. Affected: yes. Study: The Canadian Open Genetics Repository (COGR).
Comment: The CHEK2 p.Glu86= variant was not identified in the literature nor was it identified in the dbSNP, ClinVar, the Exome Aggregation Consortium (August 8th 2016), or the Genome Aggregation Database (Feb 27, 2017). The p.Glu86= variant is not expected to have clinical significance because it does not result in a change of amino acid and is not located in a known consensus splice site. In addition, in silico or computational prediction software programs (SpliceSiteFinder, MaxEntScan, NNSPLICE, GeneSplicer,) do not predict a difference in splicing. In summary, based on the above information the clinical significance of this variant cannot be determined with certainty at this time although we would lean towards a more benign role for this variant. This variant is classified as likely benign.